The following is an entry in ClinVar:

ClinVar aggregate classification (germline): Uncertain significance (1 of 4 stars; one submission).

Submission:

Labcorp Genetics (formerly Invitae), Labcorp
Classification: Uncertain significance. Last evaluated: 2024-05-06. Review status: criteria provided, single submitter. Criteria: Invitae Variant Classification Sherloc (09022015). Collection method: clinical testing. Allele origin: germline.
Comment: This sequence change replaces glutamic acid, which is acidic and polar, with alanine, which is neutral and non-polar, at codon 1610 of the MTOR protein (p.Glu1610Ala). This variant is not present in population databases (gnomAD no frequency). This variant has not been reported in the literature in individuals affected with MTOR-related conditions. Advanced modeling of protein sequence and biophysical properties (such as structural, functional, and spatial information, amino acid conservation, physicochemical variation, residue mobility, and thermodynamic stability) performed at Invitae indicates that this missense variant is not expected to disrupt MTOR protein function with a negative predictive value of 95%. In summary, the available evidence is currently insufficient to determine the role of this variant in disease. Therefore, it has been classified as a Variant of Uncertain Significance.

NM_004958.4(MTOR):c.4829A>C (p.Glu1610Ala)

Genes: MTOR (mechanistic target of rapamycin kinase; minus strand), MTOR-AS1 (MTOR antisense RNA 1; plus strand). Cytogenetic location: 1p36.22.
Variant type: single nucleotide variant.
Coding change: c.4829A>C on transcript NM_004958.4 (MANE Select); coding-DNA position 4829, A replaced by C.
Protein change: p.Glu1610Ala; replaces glutamic acid 1610 with alanine.
Molecular consequence: missense variant. On other transcripts: non-coding transcript variant (1).
Genome position (GRCh38, 1-based): chr1:11,144,691, T>G on the plus strand (A>C on the coding strand, the complement: MTOR is on the minus strand). VCF-style: chr1-11144691-T-G. GRCh37 (hg19) VCF-style: chr1-11204748-T-G.
Other names: c.4829A>C, p.Glu1610Ala (NM_001386500.1); c.3581A>C, p.Glu1194Ala (NM_001386501.1); short protein forms E1194A, E1610A.
Identifiers: ClinVar variation 3710555 (VCV003710555.2).